The following is an entry in ClinVar:

NM_206933.4(USH2A):c.6084T>A (p.Tyr2028Ter)

Gene: USH2A (usherin; minus strand). Cytogenetic location: 1q41.
Variant type: single nucleotide variant.
Coding change: c.6084T>A on transcript NM_206933.4 (MANE Select); coding-DNA position 6084, T replaced by A.
Protein change: p.Tyr2028Ter; replaces tyrosine 2028 with a stop codon.
Molecular consequence: nonsense.
Genome position (GRCh38, 1-based): chr1:216,048,613, A>T on the plus strand (T>A on the coding strand, the complement: USH2A is on the minus strand). VCF-style: chr1-216048613-A-T. GRCh37 (hg19) VCF-style: chr1-216221955-A-T.
Other names: short protein forms Y2028*.
Identifiers: ClinVar variation 2679460 (VCV002679460.8), dbSNP rs2527725724, ClinGen allele CA344859659.

ClinVar aggregate classification (germline): Pathogenic. Review status: criteria provided, multiple submitters, no conflicts (2 of 4 stars). 3 submissions from 3 submitters: Pathogenic (3). Last evaluated 2025-11-01.

Conditions:
Usher syndrome type 2A. Also called: RETINAL DISEASE IN USHER SYNDROME TYPE IIA, MODIFIER OF; USHER SYNDROME, TYPE IIA. Identifiers: Orphanet 231178, Orphanet 886, MedGen C1848634, MONDO:0010169, OMIM 276901.
Retinitis pigmentosa 39 (RP39). Identifiers: Orphanet 791, MedGen C3151138, MONDO:0013436, OMIM 613809.

Submissions (3):

CeGaT Center for Human Genetics Tuebingen
Classification: Pathogenic. Last evaluated: 2025-11-01. Review status: criteria provided, single submitter. Criteria: CeGaT Center For Human Genetics Tuebingen Variant Classification Criteria Version 2. Collection method: clinical testing. Allele origin: germline. Affected: yes. Observed: 1 variant allele.
Comment: USH2A: PVS1, PM2, PM3

Institute of Human Genetics, University of Leipzig Medical Center
Classification: Pathogenic for Usher syndrome type 2A. Last evaluated: 2025-07-16. Review status: criteria provided, single submitter. Criteria: ACMG Guidelines, 2015. Collection method: clinical testing. Allele origin: unknown. Inheritance: Autosomal recessive inheritance. Affected: yes.
Comment: Criteria applied: PVS1,PM3,PM2_SUP; Identified as compund heterozygous with NM_206933.4:c.2299del

Baylor Genetics
Classification: Pathogenic for Retinitis pigmentosa 39. Last evaluated: 2023-09-14. Review status: criteria provided, single submitter. Criteria: ACMG Guidelines, 2015. Collection method: clinical testing. Allele origin: unknown.